The following is an entry in ClinVar:

ClinVar aggregate classification (germline): Uncertain significance (1 of 4 stars; one submission).

Submission:

GeneDx
Classification: Uncertain significance. Last evaluated: 2023-05-05. Review status: criteria provided, single submitter. Criteria: GeneDx Variant Classification Process June 2021. Collection method: clinical testing. Allele origin: germline. Affected: yes.
Comment: Not observed at significant frequency in large population cohorts (gnomAD); In silico analysis supports that this missense variant has a deleterious effect on protein structure/function; Has not been previously published as pathogenic or benign to our knowledge

NM_002156.5(HSPD1):c.1607C>G (p.Ala536Gly)

Gene: HSPD1 (heat shock protein family D (Hsp60) member 1; minus strand). Cytogenetic location: 2q33.1.
Variant type: single nucleotide variant.
Coding change: c.1607C>G on transcript NM_002156.5 (MANE Select); coding-DNA position 1607, C replaced by G.
Protein change: p.Ala536Gly; replaces alanine 536 with glycine.
Molecular consequence: missense variant.
Genome position (GRCh38, 1-based): chr2:197,487,161, G>C on the plus strand (C>G on the coding strand, the complement: HSPD1 is on the minus strand). VCF-style: chr2-197487161-G-C. GRCh37 (hg19) VCF-style: chr2-198351885-G-C.
Other names: c.1607C>G, p.Ala536Gly (NM_199440.2); short protein forms A536G.
Identifiers: ClinVar variation 3343254 (VCV003343254.1).